The following is an entry in ClinVar:

NM_177987.3(TUBB8):c.770T>C (p.Met257Thr)

Gene: TUBB8 (tubulin beta 8 class VIII; minus strand). Cytogenetic location: 10p15.3.
Variant type: single nucleotide variant.
Coding change: c.770T>C on transcript NM_177987.3 (MANE Select); coding-DNA position 770, T replaced by C.
Protein change: p.Met257Thr; replaces methionine 257 with threonine.
Molecular consequence: missense variant.
Genome position (GRCh38, 1-based): chr10:47,622, A>G on the plus strand (T>C on the coding strand, the complement: TUBB8 is on the minus strand). VCF-style: chr10-47622-A-G. GRCh37 (hg19) VCF-style: chr10-93562-A-G.
Other names: c.554T>C, p.Met185Thr (NM_001389618.1, NM_001389619.1); short protein forms M185T, M257T.
Identifiers: ClinVar variation 5018955 (VCV005018955.2).
Genomic context (GRCh38, chr10:47,622, plus strand): 5'-CCCCGGCTGGTCAGTGGGGCAAAGCCGGGCATGAAGAAATGCAGCCGGGGAAACGGGACC[A>G]TGTTCACGGCCAGCTTCCGCAGGTCAGCATTCAGCTGGCCCGGGAAGCGCAGGCACGTGG-3'
Protein context (NP_817124.1, residues 247-267): NADLRKLAVN[Met257Thr]VPFPRLHFFM

ClinVar aggregate classification (germline): Uncertain significance (1 of 4 stars; one submission).

Conditions:
Oocyte maturation defect 2 (OZEMA2). Also called: OOCYTE/ZYGOTE/EMBRYO MATURATION ARREST 2. Identifiers: MedGen C4225210, MONDO:0021573, OMIM 616780.

Submission:

Juno Genomics, Hangzhou Juno Genomics, Inc
Classification: Uncertain significance for Oocyte maturation defect 2. Review status: criteria provided, single submitter. Criteria: ACMG Guidelines, 2015. Collection method: clinical testing. Allele origin: germline.
Comment: Absent from controls (or at extremely low frequency if recessive) in Genome Aggregation Database.;Missense variant in a gene that has a low rate of benign missense variation.